The following is an entry in ClinVar:

ClinVar aggregate classification (germline): Likely benign. Review status: criteria provided, multiple submitters, no conflicts (2 of 4 stars). 3 submissions from 3 submitters: Likely benign (2). 1 of the submissions does not count toward it. Last evaluated 2025-07-21.

Conditions:
GLI2-related disorder. Also called: GLI2-related disorders; GLI2-related condition.
Holoprosencephaly 9 (HPE9). Also called: PITUITARY ANOMALIES WITH HOLOPROSENCEPHALY-LIKE FEATURES; HOLOPROSENCEPHALY WITH MICROPHTHALMIA AND FIRST BRANCHIAL ARCH ANOMALIES. Identifiers: Orphanet 2162, MedGen C1835819, MONDO:0012563, OMIM 610829.
Postaxial polydactyly-anterior pituitary anomalies-facial dysmorphism syndrome. Also called: Culler-Jones syndrome. Identifiers: Orphanet 420584, MedGen C4014479, MONDO:0014369, OMIM 615849.

Allele frequency attached by ClinVar (database versions not stated): gnomAD exomes 0.00005; ESP Exome Variant Server 0.00008; 1000 Genomes Project 0.00020; ExAC 0.00002; TOPMed 0.00013; gnomAD 0.00014; 1000 Genomes Project 30x 0.00031.
gnomAD v4.1: 99 of 1,613,584 alleles (0.0061%); highest among the groups gnomAD compares: Admixed American, 0.04%; no homozygotes.

Submissions (3):

Labcorp Genetics (formerly Invitae), Labcorp
Classification: Likely benign for Postaxial polydactyly-anterior pituitary anomalies-facial dysmorphism syndrome; Holoprosencephaly 9. Last evaluated: 2025-07-21. Review status: criteria provided, single submitter. Criteria: Invitae Variant Classification Sherloc (09022015). Collection method: clinical testing. Allele origin: germline.

Women's Health and Genetics/Laboratory Corporation of America, LabCorp
Classification: Likely benign. Last evaluated: 2025-03-12. Review status: criteria provided, single submitter. Criteria: LabCorp Variant Classification Summary - May 2015. Collection method: clinical testing. Allele origin: germline.

PreventionGenetics, part of Exact Sciences
Classification: Likely benign for GLI2-related condition. Last evaluated: 2022-12-08. Review status: no assertion criteria provided. Collection method: clinical testing. Allele origin: germline. Not counted in ClinVar's aggregate classification.
Comment: This variant is classified as likely benign based on ACMG/AMP sequence variant interpretation guidelines (Richards et al. 2015 PMID: 25741868, with internal and published modifications).

NM_001374353.1(GLI2):c.168A>G (p.Pro56=)

Gene: GLI2 (GLI family zinc finger 2; plus strand). Cytogenetic location: 2q14.2.
Variant type: single nucleotide variant.
Coding change: c.168A>G on transcript NM_001374353.1 (MANE Select); coding-DNA position 168, A replaced by G.
Protein change: p.Pro56=; no amino-acid change (proline 56 retained).
Molecular consequence: synonymous variant. On other transcripts: intron variant (1).
Genome position (GRCh38, 1-based): chr2:120,927,380, A>G. VCF-style: chr2-120927380-A-G. GRCh37 (hg19) VCF-style: chr2-121684956-A-G.
Other names: c.168A>G, p.Pro56= (NM_001371271.1, NM_005270.5); c.-121-23863A>G (NM_001374354.1).
Identifiers: ClinVar variation 3051950 (VCV003051950.4), dbSNP rs138727345, ClinGen allele CA1851443.